The following is an entry in ClinVar:

NM_004366.6(CLCN2):c.2062C>T (p.Arg688Trp)

Gene: CLCN2 (chloride voltage-gated channel 2; minus strand). Cytogenetic location: 3q27.1.
Variant type: single nucleotide variant.
Coding change: c.2062C>T on transcript NM_004366.6 (MANE Select); coding-DNA position 2062, C replaced by T.
Protein change: p.Arg688Trp; replaces arginine 688 with tryptophan.
Molecular consequence: missense variant.
Genome position (GRCh38, 1-based): chr3:184,353,114, G>A on the plus strand (C>T on the coding strand, the complement: CLCN2 is on the minus strand). VCF-style: chr3-184353114-G-A. GRCh37 (hg19) VCF-style: chr3-184070902-G-A.
Other names: c.2011C>T, p.Arg671Trp (NM_001171087.3); c.1930C>T, p.Arg644Trp (NM_001171088.3); c.2062C>T, p.Arg688Trp (NM_001171089.3); c.2062C>T (NM_004366.4); short protein forms R671W, R644W, R688W.
Identifiers: ClinVar variation 707378 (VCV000707378.15), dbSNP rs368380934, ClinGen allele CA2733878.

ClinVar aggregate classification (germline): Conflicting classifications of pathogenicity. Review status: criteria provided, conflicting classifications (1 of 4 stars). 5 submissions from 5 submitters: Uncertain significance (2); Benign (1); Likely benign (1). 1 of the submissions does not count toward it. Last evaluated 2026-02-01.

Conditions:
CLCN2-related disorder. Also called: CLCN2-related condition; CLCN2-related disorders.
Inborn genetic diseases. Identifiers: MedGen C0950123, MeSH D030342.

Allele frequency attached by ClinVar (database versions not stated): ESP Exome Variant Server 0.00015; 1000 Genomes Project 30x 0.00016; 1000 Genomes Project 0.00020; TOPMed 0.00021; gnomAD 0.00023 and 0.00024; gnomAD exomes 0.00027 and 0.00038; ExAC 0.00035.

Submissions (5):

Labcorp Genetics (formerly Invitae), Labcorp
Classification: Likely benign. Last evaluated: 2026-02-01. Review status: criteria provided, single submitter. Criteria: Invitae Variant Classification Sherloc (09022015). Collection method: clinical testing. Allele origin: germline.

Ambry Genetics
Classification: Uncertain significance for Inborn genetic diseases. Last evaluated: 2025-05-14. Review status: criteria provided, single submitter. Criteria: Ambry Variant Classification Scheme 2023. Collection method: clinical testing. Allele origin: germline.

Revvity Omics, Revvity
Classification: Uncertain significance. Last evaluated: 2023-03-07. Review status: criteria provided, single submitter. Criteria: ACMG Guidelines, 2015. Collection method: clinical testing. Allele origin: germline.

Knight Diagnostic Laboratories, Oregon Health and Sciences University
Classification: Benign. Last evaluated: 2018-06-22. Review status: criteria provided, single submitter. Criteria: ACMG Guidelines, 2015. Collection method: clinical testing. Allele origin: germline. Observed: 1 variant allele.

PreventionGenetics, part of Exact Sciences
Classification: Likely benign for CLCN2-related condition. Last evaluated: 2023-06-29. Review status: no assertion criteria provided. Collection method: clinical testing. Allele origin: germline. Not counted in ClinVar's aggregate classification.
Comment: This variant is classified as likely benign based on ACMG/AMP sequence variant interpretation guidelines (Richards et al. 2015 PMID: 25741868, with internal and published modifications).